The following is an entry in ClinVar:

NM_022132.5(MCCC2):c.384-2A>G

Gene: MCCC2 (methylcrotonyl-CoA carboxylase subunit 2; plus strand). Cytogenetic location: 5q13.2.
Variant type: single nucleotide variant.
Coding change: c.384-2A>G on transcript NM_022132.5 (MANE Select); the canonical splice acceptor site of the intron before coding-DNA position 384, A replaced by G.
Molecular consequence: splice acceptor variant.
Genome position (GRCh38, 1-based): chr5:71,602,504, A>G. VCF-style: chr5-71602504-A-G. GRCh37 (hg19) VCF-style: chr5-70898331-A-G.
Other names: c.384-2A>G (NM_001363147.1, NM_022132.4).
Identifiers: ClinVar variation 1520993 (VCV001520993.11), dbSNP rs1745476784, ClinGen allele CA360010122.

ClinVar aggregate classification (germline): Pathogenic/Likely pathogenic. Review status: criteria provided, multiple submitters, no conflicts (2 of 4 stars). 4 submissions from 4 submitters: Pathogenic (2); Likely pathogenic (2). Last evaluated 2026-04-02.

Conditions:
3-methylcrotonyl-CoA carboxylase 2 deficiency. Also called: 3 alpha methylcrotonyl-CoA carboxylase 2 deficiency; 3 alpha methylcrotonylglycinuria 2; MCC 2 deficiency; Methylcrotonylglycinuria type 2; METHYLCROTONYLGLYCINURIA, TYPE II. Identifiers: Orphanet 6, MedGen C1859499, MONDO:0008862, OMIM 210210.

Allele frequency attached by ClinVar (database versions not stated): TOPMed below 0.00001.

Submissions (4):

Myriad Genetics, Inc.
Classification: Likely pathogenic for 3-methylcrotonyl-CoA carboxylase 2 deficiency. Last evaluated: 2026-04-02. Review status: criteria provided, single submitter. Criteria: Myriad Autosomal Dominant, Autosomal Recessive and X-Linked Classification Criteria (2023). Collection method: clinical testing. Allele origin: unknown.
Comment: NM_022132.4(MCCC2):c.384-2A>G is a variant in a canonical splice site classified as likely pathogenic in the context of 3-methylcrotonyl-CoA carboxylase deficiency, MCCC2-related. c.384-2A>G has been observed in a case with relevant disease (PMID: 16835865). Relevant functional assessments of this variant are not available in the literature. c.384-2A>G has not been observed in referenced population frequency databases. In summary, NM_022132.4(MCCC2):c.384-2A>G is a variant in a canonical splice site in a gene where loss of function is a known mechanism of disease, is predicted to disrupt protein function, and has been observed more frequently in cases with the relevant disease than in healthy populations. Please note: this variant was assessed in the context of healthy population screening.

Natera, Inc.
Classification: Pathogenic for 3-methylcrotonyl-CoA carboxylase 2 deficiency. Last evaluated: 2025-01-13. Review status: criteria provided, single submitter. Criteria: Natera Variant Classification Schema (03/2026). Collection method: clinical testing. Allele origin: germline.
Comment: The c.384-2A>G variant in MCCC2 is a canonical splice acceptor site variant predicted to affect pre-mRNA splicing, which may result in an abnormal transcript and altered protein product. This variant is expected to result in nonsense mediated decay, truncation, or a dysfunctional protein product. This variant is rare in the general population with a frequency below the threshold expected for the associated phenotype(s). This variant has been observed in one or more individuals affected with the associated recessive disease, as either homozygous or compound heterozygous with a second variant (PMID: 16835865). Given the available evidence, this variant is classified as Pathogenic.

Baylor Genetics
Classification: Pathogenic for 3-methylcrotonyl-CoA carboxylase 2 deficiency. Last evaluated: 2023-09-30. Review status: criteria provided, single submitter. Criteria: ACMG Guidelines, 2015. Collection method: clinical testing. Allele origin: unknown.

Labcorp Genetics (formerly Invitae), Labcorp
Classification: Likely pathogenic for 3-methylcrotonyl-CoA carboxylase 2 deficiency. Last evaluated: 2020-12-26. Review status: criteria provided, single submitter. Criteria: Invitae Variant Classification Sherloc (09022015). Collection method: clinical testing. Allele origin: germline.
Comment: In summary, the currently available evidence indicates that the variant is pathogenic, but additional data are needed to prove that conclusively. Therefore, this variant has been classified as Likely Pathogenic. Algorithms developed to predict the effect of sequence changes on RNA splicing suggest that this variant may disrupt the consensus splice site, but this prediction has not been confirmed by published transcriptional studies. This variant has been observed in individual(s) with 3-methylcrotonyl-CoA carboxylase deficiency (PMID: 16835865). This variant is not present in population databases (ExAC no frequency). This sequence change affects an acceptor splice site in intron 4 of the MCCC2 gene. It is expected to disrupt RNA splicing. Variants that disrupt the donor or acceptor splice site typically lead to a loss of protein function (PMID: 16199547), and loss-of-function variants in MCCC2 are known to be pathogenic (PMID: 11181649, 22642865).

Literature cited by the submitters: PubMed 16835865 (cited by 3 submitters); PubMed 16199547 (cited by Labcorp Genetics (formerly Invitae), Labcorp); PubMed 11181649 (cited by Labcorp Genetics (formerly Invitae), Labcorp); PubMed 22642865 (cited by Labcorp Genetics (formerly Invitae), Labcorp).